The following is an entry in ClinVar:

ClinVar aggregate classification (germline): Pathogenic (1 of 4 stars; one submission).

Conditions:
Duchenne muscular dystrophy (DMD). Also called: MUSCULAR DYSTROPHY, PSEUDOHYPERTROPHIC PROGRESSIVE, DUCHENNE TYPE; Duchenne Muscular Dystrophy (DMD). Identifiers: Orphanet 98896, MedGen C0013264, MONDO:0010679, OMIM 310200.

Submission:

Labcorp Genetics (formerly Invitae), Labcorp
Classification: Pathogenic for Duchenne muscular dystrophy. Last evaluated: 2023-03-29. Review status: criteria provided, single submitter. Criteria: Invitae Variant Classification Sherloc (09022015). Collection method: clinical testing. Allele origin: unknown.
Comment: This variant results in a copy number gain of the genomic region encompassing exon(s) 8-9 of the DMD gene. While the exact position of this variant cannot be determined from the data, sub-genic copy number gains are generally in tandem (PMID: 25640679). This variant is predicted to be out-of-frame, and may result in an absent or disrupted protein product. Loss-of-function variants in DMD are known to be pathogenic (PMID: 16770791, 25007885). For these reasons, this variant has been classified as Pathogenic. A similar copy number variant has been observed in individuals with DMD-related dystrophinopathies (PMID: 1868831, 7668256, 16917894, 18752307, 26911353).

Literature cited by the submitters: PubMed 25640679; PubMed 16770791; PubMed 25007885; PubMed 1868831; PubMed 7668256; PubMed 16917894; PubMed 18752307; PubMed 26911353.

NC_000023.10:g.(?_32715967)_(32717430_?)dup

Gene: DMD (dystrophin; minus strand). Cytogenetic location: Xp21.1.
Variant type: Duplication.
Identifiers: ClinVar variation 3243438 (VCV003243438.1).